The following is an entry in ClinVar:

NM_001297.5(CNGB1):c.2635-10C>T

Gene: CNGB1 (cyclic nucleotide gated channel subunit beta 1; minus strand). Cytogenetic location: 16q21.
Variant type: single nucleotide variant.
Coding change: c.2635-10C>T on transcript NM_001297.5 (MANE Select); 10 bases into the intron before coding-DNA position 2635, C replaced by T.
Molecular consequence: intron variant.
Genome position (GRCh38, 1-based): chr16:57,903,991, G>A on the plus strand (C>T on the coding strand, the complement: CNGB1 is on the minus strand). VCF-style: chr16-57903991-G-A. GRCh37 (hg19) VCF-style: chr16-57937895-G-A.
Other names: c.2617-10C>T (NM_001286130.2).
Identifiers: ClinVar variation 166895 (VCV000166895.26), dbSNP rs437920, ClinGen allele CA179898.

ClinVar aggregate classification (germline): Benign. Review status: criteria provided, multiple submitters, no conflicts (2 of 4 stars). 9 submissions from 9 submitters: Benign (7). 2 of the submissions do not count toward it. Last evaluated 2026-02-04.

Conditions:
Retinitis pigmentosa (RP). Identifiers: Orphanet 791, MedGen C0035334, MeSH D012174, MONDO:0019200, OMIM 268000. Inheritance: Autosomal dominant, autosomal recessive and X linked inheritance.
Retinitis pigmentosa 45 (RP45). Identifiers: Orphanet 791, MedGen C3151066, MONDO:0013413, OMIM 613767.

Allele frequency attached by ClinVar (database versions not stated): 1000 Genomes Project 30x 0.74703; 1000 Genomes Project 0.74840; TOPMed 0.76801; gnomAD 0.77649 and 0.77820; ESP Exome Variant Server 0.79701; gnomAD exomes 0.81198 and 0.83860; ExAC 0.81208.
gnomAD v4.1: 1,340,785 of 1,611,120 alleles (83%); highest among the groups gnomAD compares: South Asian, 87%; 560,897 homozygotes.

Submissions (9):

Labcorp Genetics (formerly Invitae), Labcorp
Classification: Benign. Last evaluated: 2026-02-04. Review status: criteria provided, single submitter. Criteria: Invitae Variant Classification Sherloc (09022015). Collection method: clinical testing. Allele origin: germline.

Blueprint Genetics
Classification: Benign. Last evaluated: 2024-11-28. Review status: criteria provided, single submitter. Criteria: ACMG Guidelines, 2015. Collection method: clinical testing. Allele origin: germline.

Genome-Nilou Lab
Classification: Benign for Retinitis pigmentosa 45. Last evaluated: 2021-07-22. Review status: criteria provided, single submitter. Criteria: ACMG Guidelines, 2015. Collection method: clinical testing. Allele origin: germline. Affected: no.

Illumina Laboratory Services, Illumina
Classification: Benign for Retinitis pigmentosa. Last evaluated: 2018-01-13. Review status: criteria provided, single submitter. Criteria: ICSL Variant Classification Criteria 13 December 2019. Collection method: clinical testing. Allele origin: germline.
Comment: This variant was observed in the ICSL laboratory as part of a predisposition screen in an ostensibly healthy population. It had not been previously curated by ICSL or reported in the Human Gene Mutation Database (HGMD: prior to June 1st, 2018), and was therefore a candidate for classification through an automated scoring system. Utilizing variant allele frequency, disease prevalence and penetrance estimates, and inheritance mode, an automated score was calculated to assess if this variant is too frequent to cause the disease. Based on the score and internal cut-off values, a variant classified as benign is not then subjected to further curation. The score for this variant resulted in a classification of benign for this disease.

Eurofins Ntd Llc (ga)
Classification: Benign. Last evaluated: 2013-12-27. Review status: criteria provided, single submitter. Criteria: EGL Classification Definitions 2015. Collection method: clinical testing. Allele origin: germline. Observed: 6 variant alleles, 6 homozygotes.

Breakthrough Genomics
Classification: Benign. Review status: criteria provided, single submitter. Criteria: ACMG Guidelines, 2015. Collection method: not provided. Allele origin: germline. Inheritance: Autosomal recessive inheritance. Affected: yes.

PreventionGenetics, part of Exact Sciences
Classification: Benign. Review status: criteria provided, single submitter. Criteria: ACMG Guidelines, 2015. Collection method: clinical testing. Allele origin: germline.

Diagnostic Laboratory, Department of Genetics, University Medical Center Groningen
Classification: Benign. Review status: no assertion criteria provided. Collection method: clinical testing. Allele origin: germline. Affected: yes. Study: VKGL Data-share Consensus. Not counted in ClinVar's aggregate classification.

Joint Genome Diagnostic Labs from Nijmegen and Maastricht, Radboudumc and MUMC+
Classification: Benign. Review status: no assertion criteria provided. Collection method: clinical testing. Allele origin: germline. Affected: yes. Study: VKGL Data-share Consensus. Not counted in ClinVar's aggregate classification.